The following is an entry in ClinVar:

NM_001394998.1(TANC2):c.3415C>T (p.Arg1139Cys)

Genes: TANC2 (tetratricopeptide repeat, ankyrin repeat and coiled-coil containing 2; plus strand), LOC105371856 (uncharacterized LOC105371856; minus strand). Cytogenetic location: 17q23.3.
Variant type: single nucleotide variant.
Coding change: c.3415C>T on transcript NM_001394998.1 (MANE Select); coding-DNA position 3415, C replaced by T.
Protein change: p.Arg1139Cys; replaces arginine 1139 with cysteine.
Molecular consequence: missense variant.
Genome position (GRCh38, 1-based): chr17:63,405,205, C>T. VCF-style: chr17-63405205-C-T. GRCh37 (hg19) VCF-style: chr17-61482566-C-T.
Other names: c.3193C>T, p.Arg1065Cys (NM_001411076.1, NM_025185.4); short protein forms R1065C, R1139C.
Identifiers: ClinVar variation 4822171 (VCV004822171.4).

ClinVar aggregate classification (germline): Likely benign (1 of 4 stars; one submission).

gnomAD v4.1: 14 of 1,609,742 alleles (0.00087%); highest among the groups gnomAD compares: South Asian, 0.0011%; no homozygotes.

Submission:

CeGaT Center for Human Genetics Tuebingen
Classification: Likely benign. Last evaluated: 2025-12-01. Review status: criteria provided, single submitter. Criteria: CeGaT Center For Human Genetics Tuebingen Variant Classification Criteria Version 2. Collection method: clinical testing. Allele origin: germline. Affected: yes. Observed: 2 variant alleles.
Comment: TANC2: BS2